The following is an entry in ClinVar:

ClinVar aggregate classification (germline): Uncertain significance (1 of 4 stars; one submission).

Conditions:
Hereditary cancer-predisposing syndrome. Also called: Hereditary neoplastic syndrome; Hereditary Cancer Syndrome; Neoplastic Syndromes, Hereditary; Tumor predisposition. Identifiers: Orphanet 140162, MedGen C0027672, MeSH D009386, MONDO:0015356.

Allele frequency attached by ClinVar (database versions not stated): gnomAD exomes below 0.00001.
gnomAD v4.1: 1 of 1,613,706 alleles (0.000062%); highest among the groups gnomAD compares: South Asian, 0.0011%; no homozygotes.

Submission:

Ambry Genetics
Classification: Uncertain significance for Hereditary cancer-predisposing syndrome. Last evaluated: 2023-06-07. Review status: criteria provided, single submitter. Criteria: Ambry Variant Classification Scheme 2023. Collection method: clinical testing. Allele origin: germline.
Comment: The p.Q201H variant (also known as c.603G>C), located in coding exon 5 of the ATM gene, results from a G to C substitution at nucleotide position 603. The glutamine at codon 201 is replaced by histidine, an amino acid with highly similar properties. This amino acid position is conserved. In addition, this alteration is predicted to be tolerated by in silico analysis. Since supporting evidence is limited at this time, the clinical significance of this alteration remains unclear.

NM_000051.4(ATM):c.603G>C (p.Gln201His)

Gene: ATM (ATM serine/threonine kinase; plus strand). Cytogenetic location: 11q22.3.
Variant type: single nucleotide variant.
Coding change: c.603G>C on transcript NM_000051.4 (MANE Select); coding-DNA position 603, G replaced by C.
Protein change: p.Gln201His; replaces glutamine 201 with histidine.
Molecular consequence: missense variant.
Genome position (GRCh38, 1-based): chr11:108,244,059, G>C. VCF-style: chr11-108244059-G-C. GRCh37 (hg19) VCF-style: chr11-108114786-G-C.
Other names: c.603G>C, p.Gln201His (NM_001351834.2); short protein forms Q201H.
Identifiers: ClinVar variation 2568244 (VCV002568244.2), dbSNP rs2135225401, ClinGen allele CA382528113.